The following is an entry in ClinVar:

ClinVar aggregate classification (germline): Pathogenic. Review status: reviewed by expert panel (3 of 4 stars). 8 submissions from 8 submitters: Pathogenic (1). 7 of the submissions do not count toward it. Last evaluated 2017-12-15.

Conditions:
BRCA2-related disorder. Also called: BRCA2-related condition; BRCA2-related disorders. Identifiers: MedGen CN239275.
Inherited breast cancer and ovarian cancer.
Hereditary cancer-predisposing syndrome. Also called: Tumor predisposition; Neoplastic Syndromes, Hereditary; Hereditary Cancer Syndrome; Hereditary neoplastic syndrome. Identifiers: Orphanet 140162, MedGen C0027672, MeSH D009386, MONDO:0015356.
Hereditary breast ovarian cancer syndrome. Also called: Hereditary breast and ovarian cancer syndrome (HBOC); Hereditary breast and ovarian cancer syndrome; Hereditary breast and ovarian cancer; Hereditary breast and/or ovarian cancer syndrome; Breast and ovarian cancer; BRCA1- and BRCA2-Associated Hereditary Breast and Ovarian Cancer. Identifiers: Orphanet 145, MedGen C0677776, MeSH D061325, MONDO:0003582. Disease mechanism: loss of function.
Breast-ovarian cancer, familial, susceptibility to, 2 (BROVCA2). Also called: BRCA2 Hereditary Breast and Ovarian Cancer. Identifiers: Orphanet 145, MedGen C2675520, MONDO:0012933, OMIM 612555. Disease mechanism: loss of function.
Breast-ovarian cancer, familial, susceptibility to, 1 (BROVCA1). Also called: OVARIAN CANCER, SUSCEPTIBILITY TO; BRCA1 Hereditary Breast and Ovarian Cancer. Identifiers: Orphanet 145, MedGen C2676676, MONDO:0011450, OMIM 604370. Disease mechanism: loss of function.
Familial cancer of breast. Also called: Hereditary breast cancer; hereditary breast carcinoma; BREAST CANCER, FAMILIAL. Identifiers: Orphanet 227535, MedGen C0346153, MONDO:0016419, OMIM 114480. Disease mechanism: loss of function.

Submissions (8):

Evidence-based Network for the Interpretation of Germline Mutant Alleles (ENIGMA)
Classification: Pathogenic for Breast-ovarian cancer, familial, susceptibility to, 2. Last evaluated: 2017-12-15. Review status: reviewed by expert panel. Criteria: ENIGMA BRCA1/2 Classification Criteria (2017-06-29). Collection method: curation. Allele origin: germline. Study: ENIGMA.
Comment: Variant allele predicted to encode a truncated non-functional protein.

Genomics and Molecular Medicine Service, East Genomic Laboratory Hub, NHS Genomic Medicine Service
Classification: Pathogenic for Inherited breast cancer and ovarian cancer. Last evaluated: 2026-06-18. Review status: criteria provided, single submitter. Criteria: ACGS Best Practice Guidelines for Variant Classification in Rare Disease 2020. Collection method: clinical testing. Allele origin: germline. Affected: yes. Not counted in ClinVar's aggregate classification.
Comment: PVS1,PM2,PM5_Strong

Labcorp Genetics (formerly Invitae), Labcorp
Classification: Pathogenic for Hereditary breast ovarian cancer syndrome. Last evaluated: 2025-06-25. Review status: criteria provided, single submitter. Criteria: Invitae Variant Classification Sherloc (09022015). Collection method: clinical testing. Allele origin: germline. Not counted in ClinVar's aggregate classification.
Comment: This sequence change creates a premature translational stop signal (p.Trp2725*) in the BRCA2 gene. It is expected to result in an absent or disrupted protein product. Loss-of-function variants in BRCA2 are known to be pathogenic (PMID: 20104584). This variant is not present in population databases (gnomAD no frequency). This premature translational stop signal has been observed in individual(s) with breast cancer (PMID: 22366370, 22923021). This variant is also known as 8403G>A. ClinVar contains an entry for this variant (Variation ID: 52519). For these reasons, this variant has been classified as Pathogenic.

Ambry Genetics
Classification: Pathogenic for Hereditary cancer-predisposing syndrome. Last evaluated: 2025-03-12. Review status: criteria provided, single submitter. Criteria: Ambry Variant Classification Scheme 2023. Collection method: clinical testing. Allele origin: germline. Not counted in ClinVar's aggregate classification.
Comment: The p.W2725* pathogenic mutation (also known as c.8175G>A), located in coding exon 17 of the BRCA2 gene, results from a G to A substitution at nucleotide position 8175. This changes the amino acid from a tryptophan to a stop codon within coding exon 17. This alteration was identified in 1/145 Croatian families with breast and/or ovarian cancer (Levanat S et al. Gene, 2012 May;498:169-76) as well as in 2/582 Slovenian families with breast and/or ovarian cancer (Krajc M et al. Clin. Genet., 2014 Jan;85:59-63). This variant is considered to be rare based on population cohorts in the Genome Aggregation Database (gnomAD). In addition to the clinical data presented in the literature, this alteration is expected to result in loss of function by premature protein truncation or nonsense-mediated mRNA decay. As such, this alteration is interpreted as a disease-causing mutation.

Blueprint Genetics
Classification: Pathogenic for BRCA2-related disorders. Last evaluated: 2024-05-27. Review status: criteria provided, single submitter. Criteria: ACMG Guidelines, 2015. Collection method: clinical testing. Allele origin: germline. Affected: yes. Observed: 1 variant allele. Not counted in ClinVar's aggregate classification.

Baylor Genetics
Classification: Pathogenic for Familial cancer of breast. Last evaluated: 2023-04-02. Review status: criteria provided, single submitter. Criteria: ACMG Guidelines, 2015. Collection method: clinical testing. Allele origin: unknown. Not counted in ClinVar's aggregate classification.

Department of Molecular Diagnostics, Institute of Oncology Ljubljana
Classification: Pathogenic for Breast-ovarian cancer, familial, susceptibility to, 1. Last evaluated: 2020-04-02. Review status: criteria provided, single submitter. Criteria: ACMG Guidelines, 2015. Collection method: clinical testing. Allele origin: germline. Affected: yes. Not counted in ClinVar's aggregate classification.

ClinVar Staff, National Center for Biotechnology Information (NCBI)
No classification provided. Condition: Familial cancer of breast. Review status: no classification provided. Collection method: literature only. Allele origin: germline. Affected: yes. Not counted in ClinVar's aggregate classification.

Literature cited by the submitters: PubMed 20104584 (cited by Labcorp Genetics (formerly Invitae), Labcorp); PubMed 22366370 (cited by 3 submitters); PubMed 22923021 (cited by Labcorp Genetics (formerly Invitae), Labcorp and Ambry Genetics); PubMed 23397983 (cited by Ambry Genetics); PubMed 31209999 (cited by Ambry Genetics).

NM_000059.4(BRCA2):c.8175G>A (p.Trp2725Ter)

Gene: BRCA2 (BRCA2 DNA repair associated; plus strand). Cytogenetic location: 13q13.1.
Variant type: single nucleotide variant.
Coding change: c.8175G>A on transcript NM_000059.4 (MANE Select); coding-DNA position 8175, G replaced by A.
Protein change: p.Trp2725Ter; replaces tryptophan 2725 with a stop codon.
Molecular consequence: nonsense.
Genome position (GRCh38, 1-based): chr13:32,363,377, G>A. VCF-style: chr13-32363377-G-A. GRCh37 (hg19) VCF-style: chr13-32937514-G-A.
Other names: short protein forms W2725*.
Identifiers: ClinVar variation 52519 (VCV000052519.19), dbSNP rs397507965, ClinGen allele CA025490.